The following is an entry in ClinVar:

ClinVar aggregate classification (germline): Uncertain significance. Review status: criteria provided, multiple submitters, no conflicts (2 of 4 stars). 2 submissions from 2 submitters: Uncertain significance (2). Last evaluated 2026-04-23.

Conditions:
EYS-related disorder. Also called: EYS-related condition.

Allele frequency attached by ClinVar (database versions not stated): gnomAD 0.00003; TOPMed 0.00003.
gnomAD v4.1: 4 of 1,551,126 alleles (0.00026%); highest among the groups gnomAD compares: African/African-American, 0.0055%; no homozygotes.

Submissions (2):

PreventionGenetics, part of Exact Sciences
Classification: Uncertain significance for EYS-related condition. Last evaluated: 2026-04-23. Review status: criteria provided, single submitter. Criteria: ACMG Guidelines, 2015. Collection method: clinical testing. Allele origin: germline.
Comment: The EYS c.8980C>G variant is predicted to result in the amino acid substitution p.Leu2994Val. To our knowledge, this variant has not been reported in the literature. This variant is reported in 0.023% of alleles in individuals of African descent in gnomAD. At this time, the clinical significance of this variant is uncertain due to the absence of conclusive functional and genetic evidence.

Labcorp Genetics (formerly Invitae), Labcorp
Classification: Uncertain significance. Last evaluated: 2025-02-03. Review status: criteria provided, single submitter. Criteria: Invitae Variant Classification Sherloc (09022015). Collection method: clinical testing. Allele origin: germline.
Comment: This sequence change replaces leucine, which is neutral and non-polar, with valine, which is neutral and non-polar, at codon 2994 of the EYS protein (p.Leu2994Val). This variant is present in population databases (no rsID available, gnomAD 0.02%). This variant has not been reported in the literature in individuals affected with EYS-related conditions. ClinVar contains an entry for this variant (Variation ID: 2170624). Invitae Evidence Modeling of protein sequence and biophysical properties (such as structural, functional, and spatial information, amino acid conservation, physicochemical variation, residue mobility, and thermodynamic stability) indicates that this missense variant is expected to disrupt EYS protein function with a positive predictive value of 80%. In summary, the available evidence is currently insufficient to determine the role of this variant in disease. Therefore, it has been classified as a Variant of Uncertain Significance.

NM_001142800.2(EYS):c.8980C>G (p.Leu2994Val)

Genes: EYS (EGF-like photoreceptor maintenance factor; minus strand), PHF3 (PHD finger protein 3; plus strand). Cytogenetic location: 6q12.
Variant type: single nucleotide variant.
Coding change: c.8980C>G on transcript NM_001142800.2 (MANE Select); coding-DNA position 8980, C replaced by G.
Protein change: p.Leu2994Val; replaces leucine 2994 with valine.
Molecular consequence: missense variant. On other transcripts: 3 prime UTR variant (5).
Genome position (GRCh38, 1-based): chr6:63,721,051, G>C on the plus strand (C>G on the coding strand, the complement: EYS is on the minus strand). VCF-style: chr6-63721051-G-C. GRCh37 (hg19) VCF-style: chr6-64430947-G-C.
Other names: c.*7343G>C (NM_001290259.2, NM_001370348.2, NM_001370349.2 and 2 more transcripts); c.9043C>G, p.Leu3015Val (NM_001292009.2); c.8980C>G (NM_001142800.1); short protein forms L2994V, L3015V.
Identifiers: ClinVar variation 2170624 (VCV002170624.3), dbSNP rs956479974, ClinGen allele CA140236814.